The following is an entry in ClinVar:

ClinVar aggregate classification (germline): Uncertain significance (1 of 4 stars; one submission).

Submission:

Ambry Genetics
Classification: Uncertain significance. Last evaluated: 2024-07-15. Review status: criteria provided, single submitter. Criteria: Ambry Variant Classification Scheme 2023. Collection method: clinical testing. Allele origin: germline.
Comment: The p.D1506V variant (also known as c.4517A>T), located in coding exon 16 of the POLQ gene, results from an A to T substitution at nucleotide position 4517. The aspartic acid at codon 1506 is replaced by valine, an amino acid with highly dissimilar properties. This amino acid position is conserved. In addition, this alteration is predicted to be tolerated by in silico analysis. Based on the available evidence, the clinical significance of this variant remains unclear.

NM_199420.4(POLQ):c.4517A>T (p.Asp1506Val)

Gene: POLQ (DNA polymerase theta; minus strand). Cytogenetic location: 3q13.33.
Variant type: single nucleotide variant.
Coding change: c.4517A>T on transcript NM_199420.4 (MANE Select); coding-DNA position 4517, A replaced by T.
Protein change: p.Asp1506Val; replaces aspartic acid 1506 with valine.
Molecular consequence: missense variant.
Genome position (GRCh38, 1-based): chr3:121,488,414, T>A on the plus strand (A>T on the coding strand, the complement: POLQ is on the minus strand). VCF-style: chr3-121488414-T-A. GRCh37 (hg19) VCF-style: chr3-121207261-T-A.
Other names: short protein forms D1506V.
Identifiers: ClinVar variation 3422455 (VCV003422455.1).